The following is an entry in ClinVar:

NM_000245.4(MET):c.1031G>A (p.Gly344Glu)

Gene: MET (MET proto-oncogene, receptor tyrosine kinase; plus strand). Cytogenetic location: 7q31.2.
Variant type: single nucleotide variant.
Coding change: c.1031G>A on transcript NM_000245.4 (MANE Select); coding-DNA position 1031, G replaced by A.
Protein change: p.Gly344Glu; replaces glycine 344 with glutamic acid.
Molecular consequence: missense variant. On other transcripts: intron variant (1).
Genome position (GRCh38, 1-based): chr7:116,700,115, G>A. VCF-style: chr7-116700115-G-A. GRCh37 (hg19) VCF-style: chr7-116340169-G-A.
Other names: c.1031G>A, p.Gly344Glu (NM_001127500.3, NM_001324401.3); c.-91+27538G>A (NM_001324402.2); short protein forms G344E.
Identifiers: ClinVar variation 3294386 (VCV003294386.1).

ClinVar aggregate classification (germline): Uncertain significance (1 of 4 stars; one submission).

Conditions:
Hereditary cancer-predisposing syndrome. Also called: Tumor predisposition; Hereditary Cancer Syndrome; Hereditary neoplastic syndrome; Neoplastic Syndromes, Hereditary. Identifiers: Orphanet 140162, MedGen C0027672, MeSH D009386, MONDO:0015356.

Submission:

Ambry Genetics
Classification: Uncertain significance for Hereditary cancer-predisposing syndrome. Last evaluated: 2024-06-20. Review status: criteria provided, single submitter. Criteria: Ambry Variant Classification Scheme 2023. Collection method: clinical testing. Allele origin: germline.
Comment: The p.G344E variant (also known as c.1031G>A), located in coding exon 1 of the MET gene, results from a G to A substitution at nucleotide position 1031. The glycine at codon 344 is replaced by glutamic acid, an amino acid with similar properties. This amino acid position is conserved. In addition, the in silico prediction for this alteration is inconclusive. Based on the available evidence, the clinical significance of this variant remains unclear.